The following is an entry in ClinVar:

NM_001379659.1(ZNF142):c.2029C>T (p.Arg677Ter)

Gene: ZNF142 (zinc finger protein 142; minus strand). Cytogenetic location: 2q35.
Variant type: single nucleotide variant.
Coding change: c.2029C>T on transcript NM_001379659.1 (MANE Select); coding-DNA position 2029, C replaced by T.
Protein change: p.Arg677Ter; replaces arginine 677 with a stop codon.
Molecular consequence: nonsense.
Genome position (GRCh38, 1-based): chr2:218,646,193, G>A on the plus strand (C>T on the coding strand, the complement: ZNF142 is on the minus strand). VCF-style: chr2-218646193-G-A. GRCh37 (hg19) VCF-style: chr2-219510916-G-A.
Other names: c.2029C>T, p.Arg677Ter (NM_001379660.1, NM_001379661.1, NM_001366290.3); c.1429C>T, p.Arg477Ter (NM_001366291.3, NM_001379662.1, NM_001105537.5); c.940C>T, p.Arg314Ter (NM_001366288.3, NM_001366289.3, NM_001366287.3); short protein forms R314*, R477*, R677*.
Identifiers: ClinVar variation 4689535 (VCV004689535.2).

ClinVar aggregate classification (germline): Pathogenic/Likely pathogenic. Review status: criteria provided, multiple submitters, no conflicts (2 of 4 stars). 2 submissions from 2 submitters: Pathogenic (1); Likely pathogenic (1). Last evaluated 2026-01-08.

Conditions:
Neurodevelopmental disorder with impaired speech and hyperkinetic movements. Identifiers: MedGen C5193088, MONDO:0032741, OMIM 618425.
ZNF142-related disorder. Also called: ZNF142-related condition.

gnomAD v4.1: 8 of 1,613,842 alleles (0.0005%); highest among the groups gnomAD compares: East Asian, 0.0022%; no homozygotes.

Submissions (2):

Women's Health and Genetics/Laboratory Corporation of America, LabCorp
Classification: Pathogenic for Neurodevelopmental disorder with impaired speech and hyperkinetic movements. Last evaluated: 2026-01-08. Review status: criteria provided, single submitter. Criteria: LabCorp Variant Classification Summary - May 2015. Collection method: clinical testing. Allele origin: germline.
Comment: Variant summary: ZNF142 c.1429C>T (p.Arg477X) results in a premature termination codon, predicted to cause a truncation of the encoded protein or absence of the protein due to nonsense mediated decay, which are commonly known mechanisms for disease. The variant allele was found at a frequency of 4e-06 in 249210 control chromosomes. To our knowledge, no occurrence of c.1429C>T in individuals affected with ZNF142-related conditions and no experimental evidence demonstrating its impact on protein function have been reported. No submitters have cited clinical-significance assessments for this variant to ClinVar. Based on the evidence outlined above, the variant was classified as pathogenic.

Blueprint Genetics
Classification: Likely pathogenic for ZNF142-related disorders. Last evaluated: 2023-05-19. Review status: criteria provided, single submitter. Criteria: ACMG Guidelines, 2015. Collection method: clinical testing. Allele origin: germline. Affected: yes. Observed: 3 variant alleles.